The following is an entry in ClinVar:

NM_005546.4(ITK):c.10T>C (p.Phe4Leu)

Gene: ITK (IL2 inducible T cell kinase; plus strand). Cytogenetic location: 5q33.3.
Variant type: single nucleotide variant.
Coding change: c.10T>C on transcript NM_005546.4 (MANE Select); coding-DNA position 10, T replaced by C.
Protein change: p.Phe4Leu; replaces phenylalanine 4 with leucine.
Molecular consequence: missense variant.
Genome position (GRCh38, 1-based): chr5:157,180,987, T>C. VCF-style: chr5-157180987-T-C. GRCh37 (hg19) VCF-style: chr5-156607998-T-C.
Other names: short protein forms F4L.
Identifiers: ClinVar variation 1386742 (VCV001386742.6), dbSNP rs1393178996, ClinGen allele CA361966120.

ClinVar aggregate classification (germline): Uncertain significance (1 of 4 stars; one submission).

Conditions:
Lymphoproliferative syndrome 1 (LPFS1). Identifiers: Orphanet 238505, Orphanet 538963, MedGen C3552634, MONDO:0013081, OMIM 613011.

Allele frequency attached by ClinVar (database versions not stated): gnomAD exomes 0.00001.
gnomAD v4.1: 6 of 1,613,906 alleles (0.00037%); highest among the groups gnomAD compares: Admixed American, 0.01%; no homozygotes.

Submission:

Labcorp Genetics (formerly Invitae), Labcorp
Classification: Uncertain significance for Lymphoproliferative syndrome 1. Last evaluated: 2024-08-05. Review status: criteria provided, single submitter. Criteria: Invitae Variant Classification Sherloc (09022015). Collection method: clinical testing. Allele origin: germline.
Comment: This sequence change replaces phenylalanine, which is neutral and non-polar, with leucine, which is neutral and non-polar, at codon 4 of the ITK protein (p.Phe4Leu). This variant is present in population databases (no rsID available, gnomAD 0.009%). This variant has not been reported in the literature in individuals affected with ITK-related conditions. ClinVar contains an entry for this variant (Variation ID: 1386742). Advanced modeling of protein sequence and biophysical properties (such as structural, functional, and spatial information, amino acid conservation, physicochemical variation, residue mobility, and thermodynamic stability) performed at Invitae indicates that this missense variant is not expected to disrupt ITK protein function with a negative predictive value of 95%. In summary, the available evidence is currently insufficient to determine the role of this variant in disease. Therefore, it has been classified as a Variant of Uncertain Significance.